The following is an entry in ClinVar:

NM_003098.3(SNTA1):c.184G>A (p.Ala62Thr)

Gene: SNTA1 (syntrophin alpha 1; minus strand). Cytogenetic location: 20q11.21.
Variant type: single nucleotide variant.
Coding change: c.184G>A on transcript NM_003098.3 (MANE Select); coding-DNA position 184, G replaced by A.
Protein change: p.Ala62Thr; replaces alanine 62 with threonine.
Molecular consequence: missense variant.
Genome position (GRCh38, 1-based): chr20:33,443,437, C>T on the plus strand (G>A on the coding strand, the complement: SNTA1 is on the minus strand). VCF-style: chr20-33443437-C-T. GRCh37 (hg19) VCF-style: chr20-32031243-C-T.
Other names: c.184G>A, p.Ala62Thr (NM_001424413.1, NM_001424414.1); short protein forms A62T.
Identifiers: ClinVar variation 3708690 (VCV003708690.2).

ClinVar aggregate classification (germline): Uncertain significance (1 of 4 stars; one submission).

Conditions:
Long QT syndrome (LQTS). Identifiers: MedGen C0023976, MeSH D008133, MONDO:0002442. Disease mechanism: loss of function. Inheritance: Various modes of inheritance.

gnomAD v4.1: 3 of 1,348,312 alleles (0.00022%); highest among the groups gnomAD compares: Non-Finnish European, 0.00028%; no homozygotes.

Submission:

Labcorp Genetics (formerly Invitae), Labcorp
Classification: Uncertain significance for Long QT syndrome. Last evaluated: 2024-10-07. Review status: criteria provided, single submitter. Criteria: Invitae Variant Classification Sherloc (09022015). Collection method: clinical testing. Allele origin: germline.
Comment: This sequence change replaces alanine, which is neutral and non-polar, with threonine, which is neutral and polar, at codon 62 of the SNTA1 protein (p.Ala62Thr). This variant is not present in population databases (gnomAD no frequency). This variant has not been reported in the literature in individuals affected with SNTA1-related conditions. An algorithm developed to predict the effect of missense changes on protein structure and function (PolyPhen-2) suggests that this variant is likely to be tolerated. In summary, the available evidence is currently insufficient to determine the role of this variant in disease. Therefore, it has been classified as a Variant of Uncertain Significance.